The following is an entry in ClinVar:

NM_018967.5(SNTG1):c.239T>C (p.Ile80Thr)

Gene: SNTG1 (syntrophin gamma 1; plus strand). Cytogenetic location: 8q11.21.
Variant type: single nucleotide variant.
Coding change: c.239T>C on transcript NM_018967.5 (MANE Select); coding-DNA position 239, T replaced by C.
Protein change: p.Ile80Thr; replaces isoleucine 80 with threonine.
Molecular consequence: missense variant. On other transcripts: non-coding transcript variant (5).
Genome position (GRCh38, 1-based): chr8:50,449,687, T>C. VCF-style: chr8-50449687-T-C. GRCh37 (hg19) VCF-style: chr8-51362247-T-C.
Other names: c.239T>C, p.Ile80Thr (NM_001287813.3, NM_001287814.3, NM_001321773.2 and 4 more transcripts); short protein forms I80T.
Identifiers: ClinVar variation 4994099 (VCV004994099.1).

ClinVar aggregate classification (germline): Uncertain significance (1 of 4 stars; one submission).

Conditions:
SNTG1-related disorder. Also called: SNTG1-related condition.

gnomAD v4.1: 2 of 1,599,850 alleles (0.00013%); highest among the groups gnomAD compares: East Asian, 0.0022%; no homozygotes.

Submission:

PreventionGenetics, part of Exact Sciences
Classification: Uncertain significance for SNTG1-related condition. Last evaluated: 2026-01-12. Review status: criteria provided, single submitter. Criteria: ACMG Guidelines, 2015. Collection method: clinical testing. Allele origin: germline.
Comment: The SNTG1 c.239T>C variant is predicted to result in the amino acid substitution p.Ile80Thr. To our knowledge, this variant has not been reported in the literature or in a large population database (gnomAD), indicating this variant is rare. At this time, the clinical significance of this variant is uncertain due to the absence of conclusive functional and genetic evidence.